The following is an entry in ClinVar:

NM_017433.5(MYO3A):c.3501C>G (p.Ser1167=)

Gene: MYO3A (myosin IIIA; plus strand). Cytogenetic location: 10p12.1.
Variant type: single nucleotide variant.
Coding change: c.3501C>G on transcript NM_017433.5 (MANE Select); coding-DNA position 3501, C replaced by G.
Protein change: p.Ser1167=; no amino-acid change (serine 1167 retained).
Molecular consequence: synonymous variant.
Genome position (GRCh38, 1-based): chr10:26,173,765, C>G. VCF-style: chr10-26173765-C-G. GRCh37 (hg19) VCF-style: chr10-26462694-C-G.
Other names: c.3501C>G (NM_017433.4).
Identifiers: ClinVar variation 2894177 (VCV002894177.4), dbSNP rs150864067, ClinGen allele CA5445280.

ClinVar aggregate classification (germline): Likely benign. Review status: criteria provided, multiple submitters, no conflicts (2 of 4 stars). 2 submissions from 2 submitters: Likely benign (2). Last evaluated 2026-08-03.

Conditions:
MYO3A-related disorder. Also called: MYO3A-related condition.

Allele frequency attached by ClinVar (database versions not stated): ExAC 0.00003; ESP Exome Variant Server 0.00015; 1000 Genomes Project 0.00020; 1000 Genomes Project 30x 0.00031.
gnomAD v4.1: 20 of 1,614,098 alleles (0.0012%); highest among the groups gnomAD compares: African/African-American, 0.023%; no homozygotes.

Submissions (2):

PreventionGenetics, part of Exact Sciences
Classification: Likely benign for MYO3A-related condition. Last evaluated: 2026-08-03. Review status: criteria provided, single submitter. Criteria: ACMG Guidelines, 2015. Collection method: clinical testing. Allele origin: germline.
Comment: This variant is classified as likely benign based on ACMG/AMP sequence variant interpretation guidelines (Richards et al. 2015 PMID: 25741868, with internal and published modifications).

Labcorp Genetics (formerly Invitae), Labcorp
Classification: Likely benign. Last evaluated: 2022-11-26. Review status: criteria provided, single submitter. Criteria: Invitae Variant Classification Sherloc (09022015). Collection method: clinical testing. Allele origin: germline.